The following is an entry in ClinVar:

NM_000321.3(RB1):c.449G>C (p.Arg150Thr)

Gene: RB1 (RB transcriptional corepressor 1; plus strand). Cytogenetic location: 13q14.2.
Variant type: single nucleotide variant.
Coding change: c.449G>C on transcript NM_000321.3 (MANE Select); coding-DNA position 449, G replaced by C.
Protein change: p.Arg150Thr; replaces arginine 150 with threonine.
Molecular consequence: missense variant.
Genome position (GRCh38, 1-based): chr13:48,345,148, G>C. VCF-style: chr13-48345148-G-C. GRCh37 (hg19) VCF-style: chr13-48919284-G-C.
Other names: c.449G>C, p.Arg150Thr (NM_001407165.1, NM_001407166.1); short protein forms R150T.
Identifiers: ClinVar variation 1718990 (VCV001718990.5), dbSNP rs895447213, ClinGen allele CA249846377.

ClinVar aggregate classification (germline): Uncertain significance (1 of 4 stars; one submission).

Conditions:
Retinoblastoma (RB1). Also called: RETINOBLASTOMA, SOMATIC. Identifiers: Orphanet 790, MedGen C0035335, MeSH D012175, MONDO:0008380, OMIM 180200, HP:0009919. Disease mechanism: loss of function. Inheritance: Both sporadic and heritable forms are tested..

Allele frequency attached by ClinVar (database versions not stated): gnomAD exomes below 0.00001; gnomAD 0.00001; TOPMed 0.00001.
gnomAD v4.1: 2 of 1,612,794 alleles (0.00012%); highest among the groups gnomAD compares: Non-Finnish European, 0.00017%; no homozygotes.

Submission:

Labcorp Genetics (formerly Invitae), Labcorp
Classification: Uncertain significance for Retinoblastoma. Last evaluated: 2022-09-07. Review status: criteria provided, single submitter. Criteria: Invitae Variant Classification Sherloc (09022015). Collection method: clinical testing. Allele origin: germline.
Comment: This sequence change replaces arginine, which is basic and polar, with threonine, which is neutral and polar, at codon 150 of the RB1 protein (p.Arg150Thr). This variant is present in population databases (no rsID available, gnomAD 0.0009%). This variant has not been reported in the literature in individuals affected with RB1-related conditions. Algorithms developed to predict the effect of missense changes on protein structure and function (SIFT, PolyPhen-2, Align-GVGD) all suggest that this variant is likely to be disruptive. In summary, the available evidence is currently insufficient to determine the role of this variant in disease. Therefore, it has been classified as a Variant of Uncertain Significance.